The following is an entry in ClinVar:

ClinVar aggregate classification (germline): Uncertain significance (1 of 4 stars; one submission).

gnomAD v4.1: 1 of 1,612,604 alleles (0.000062%); highest among the groups gnomAD compares: Non-Finnish European, 0.000085%; no homozygotes.

Submission:

GeneDx
Classification: Uncertain significance. Last evaluated: 2024-07-09. Review status: criteria provided, single submitter. Criteria: GeneDx Variant Classification Process June 2021. Collection method: clinical testing. Allele origin: germline. Affected: yes.
Comment: Not observed at significant frequency in large population cohorts (gnomAD); In silico analysis supports that this missense variant has a deleterious effect on protein structure/function; Has not been previously published as pathogenic or benign to our knowledge

NM_001961.4(EEF2):c.436G>A (p.Ala146Thr)

Gene: EEF2 (eukaryotic translation elongation factor 2; minus strand). Cytogenetic location: 19p13.3.
Variant type: single nucleotide variant.
Coding change: c.436G>A on transcript NM_001961.4 (MANE Select); coding-DNA position 436, G replaced by A.
Protein change: p.Ala146Thr; replaces alanine 146 with threonine.
Molecular consequence: missense variant.
Genome position (GRCh38, 1-based): chr19:3,982,983, C>T on the plus strand (G>A on the coding strand, the complement: EEF2 is on the minus strand). VCF-style: chr19-3982983-C-T. GRCh37 (hg19) VCF-style: chr19-3982981-C-T.
Other names: short protein forms A146T.
Identifiers: ClinVar variation 3572679 (VCV003572679.1).
Genomic context (GRCh38, chr19:3,982,983, plus strand): 5'-CCAGCAGGGCGCGGTCCATCTTGTTCATCATCAGCACAGGCTTGATGCGCTCGGCAATGG[C>T]CTGCCGCAGCACTGTCTCCGTCTGCACGCACACGCCTGGGGACACGGGGGACAGGGCGGC-3'
Protein context (NP_001952.1, residues 136-156): CVQTETVLRQ[Ala146Thr]IAERIKPVLM